The following is an entry in ClinVar:

NM_006514.4(SCN10A):c.4771A>C (p.Lys1591Gln)

Gene: SCN10A (sodium voltage-gated channel alpha subunit 10; minus strand). Cytogenetic location: 3p22.2.
Variant type: single nucleotide variant.
Coding change: c.4771A>C on transcript NM_006514.4 (MANE Select); coding-DNA position 4771, A replaced by C.
Protein change: p.Lys1591Gln; replaces lysine 1591 with glutamine.
Molecular consequence: missense variant.
Genome position (GRCh38, 1-based): chr3:38,698,449, T>G on the plus strand (A>C on the coding strand, the complement: SCN10A is on the minus strand). VCF-style: chr3-38698449-T-G. GRCh37 (hg19) VCF-style: chr3-38739940-T-G.
Other names: c.4768A>C, p.Lys1590Gln (NM_001293306.2); c.4477A>C, p.Lys1493Gln (NM_001293307.2); short protein forms K1493Q, K1590Q, K1591Q.
Identifiers: ClinVar variation 2145105 (VCV002145105.2), dbSNP rs760106760, ClinGen allele CA2319813.

ClinVar aggregate classification (germline): Uncertain significance (1 of 4 stars; one submission).

Conditions:
Brugada syndrome. Also called: Sudden unexpected nocturnal death syndrome; Sudden Unexplained Death Syndrome; Sudden Unexplained Nocturnal Death Syndrome (SUNDS); Sudden unexplained nocturnal death syndrome. Identifiers: Orphanet 130, MedGen C1142166, MONDO:0015263.

Allele frequency attached by ClinVar (database versions not stated): TOPMed below 0.00001; ExAC 0.00001; gnomAD exomes 0.00001.
gnomAD v4.1: 13 of 1,614,174 alleles (0.00081%); highest among the groups gnomAD compares: Non-Finnish European, 0.0011%; no homozygotes.

Submission:

Labcorp Genetics (formerly Invitae), Labcorp
Classification: Uncertain significance for Brugada syndrome. Last evaluated: 2022-01-19. Review status: criteria provided, single submitter. Criteria: Invitae Variant Classification Sherloc (09022015). Collection method: clinical testing. Allele origin: germline.
Comment: This variant is present in population databases (rs760106760, gnomAD 0.002%). In summary, the available evidence is currently insufficient to determine the role of this variant in disease. Therefore, it has been classified as a Variant of Uncertain Significance. Advanced modeling of protein sequence and biophysical properties (such as structural, functional, and spatial information, amino acid conservation, physicochemical variation, residue mobility, and thermodynamic stability) performed at Invitae indicates that this missense variant is expected to disrupt SCN10A protein function. This variant has not been reported in the literature in individuals affected with SCN10A-related conditions. This sequence change replaces lysine, which is basic and polar, with glutamine, which is neutral and polar, at codon 1591 of the SCN10A protein (p.Lys1591Gln).